The following is an entry in ClinVar:

ClinVar aggregate classification (germline): Pathogenic (1 of 4 stars; one submission).

Submission:

Labcorp Genetics (formerly Invitae), Labcorp
Classification: Pathogenic. Last evaluated: 2024-10-24. Review status: criteria provided, single submitter. Criteria: Invitae Variant Classification Sherloc (09022015). Collection method: clinical testing. Allele origin: germline.
Comment: This sequence change creates a premature translational stop signal (p.Tyr207*) in the RCBTB1 gene. It is expected to result in an absent or disrupted protein product. Loss-of-function variants in RCBTB1 are known to be pathogenic (PMID: 31494449). This variant is not present in population databases (gnomAD no frequency). This variant has not been reported in the literature in individuals affected with RCBTB1-related conditions. ClinVar contains an entry for this variant (Variation ID: 1446308). For these reasons, this variant has been classified as Pathogenic.

Literature cited by the submitters: PubMed 31494449.

NM_018191.4(RCBTB1):c.621C>A (p.Tyr207Ter)

Gene: RCBTB1 (RCC1 and BTB domain containing protein 1; minus strand). Cytogenetic location: 13q14.2.
Variant type: single nucleotide variant.
Coding change: c.621C>A on transcript NM_018191.4 (MANE Select); coding-DNA position 621, C replaced by A.
Protein change: p.Tyr207Ter; replaces tyrosine 207 with a stop codon.
Molecular consequence: nonsense. On other transcripts: non-coding transcript variant (2).
Genome position (GRCh38, 1-based): chr13:49,552,268, G>T on the plus strand (C>A on the coding strand, the complement: RCBTB1 is on the minus strand). VCF-style: chr13-49552268-G-T. GRCh37 (hg19) VCF-style: chr13-50126404-G-T.
Other names: c.621C>A, p.Tyr207Ter (NM_001352500.2, NM_001352501.2, NM_001352502.2 and 3 more transcripts); c.42C>A, p.Tyr14Ter (NM_001352506.2); short protein forms Y14*, Y207*.
Identifiers: ClinVar variation 1446308 (VCV001446308.6), dbSNP rs1961431442, ClinGen allele CA388190985.